The following is an entry in ClinVar:

ClinVar aggregate classification (germline): Uncertain significance (1 of 4 stars; one submission).

Conditions:
GNE myopathy (NM). Also called: NONAKA DISTAL MYOPATHY; INCLUSION BODY MYOPATHY, HEREDITARY, AUTOSOMAL RECESSIVE; INCLUSION BODY MYOPATHY 2, AUTOSOMAL RECESSIVE; MYOPATHY, DISTAL, WITH OR WITHOUT RIMMED VACUOLES; IBM 2; Inclusion body myopathy autosomal recessive. Identifiers: Orphanet 602, MedGen C1853926, MONDO:0011603, OMIM 605820.
Sialuria. Also called: SIALURIA, FRENCH TYPE; Sialic Acid Storage Disease. Identifiers: Orphanet 3166, MedGen C0342853, MONDO:0010028, OMIM 269921.

Allele frequency attached by ClinVar (database versions not stated): gnomAD exomes below 0.00001; gnomAD 0.00001.

Submission:

Labcorp Genetics (formerly Invitae), Labcorp
Classification: Uncertain significance for Sialuria; GNE myopathy. Last evaluated: 2026-01-24. Review status: criteria provided, single submitter. Criteria: Invitae Variant Classification Sherloc (09022015). Collection method: clinical testing. Allele origin: germline.
Comment: This sequence change replaces tyrosine, which is neutral and polar, with cysteine, which is neutral and slightly polar, at codon 473 of the GNE protein (p.Tyr473Cys). This variant is present in population databases (no rsID available, gnomAD 0.003%). This variant has not been reported in the literature in individuals affected with GNE-related conditions. ClinVar contains an entry for this variant (Variation ID: 1521670). Invitae Evidence Modeling of protein sequence and biophysical properties (such as structural, functional, and spatial information, amino acid conservation, physicochemical variation, residue mobility, and thermodynamic stability) has been performed for this missense variant. However, the output from this modeling did not meet the statistical confidence thresholds required to predict the impact of this variant on GNE protein function. In summary, the available evidence is currently insufficient to determine the role of this variant in disease. Therefore, it has been classified as a Variant of Uncertain Significance.

NM_005476.7(GNE):c.1325A>G (p.Tyr442Cys)

Gene: GNE (glucosamine (UDP-N-acetyl)-2-epimerase/N-acetylmannosamine kinase; minus strand). Cytogenetic location: 9p13.3.
Variant type: single nucleotide variant.
Coding change: c.1325A>G on transcript NM_005476.7 (MANE Select); coding-DNA position 1325, A replaced by G.
Protein change: p.Tyr442Cys; replaces tyrosine 442 with cysteine.
Molecular consequence: missense variant.
Genome position (GRCh38, 1-based): chr9:36,223,459, T>C on the plus strand (A>G on the coding strand, the complement: GNE is on the minus strand). VCF-style: chr9-36223459-T-C. GRCh37 (hg19) VCF-style: chr9-36223456-T-C.
Other names: c.1418A>G, p.Tyr473Cys (NM_001128227.3); c.1325A>G, p.Tyr442Cys (NM_001190383.3); c.995A>G, p.Tyr332Cys (NM_001190384.3); c.1148A>G, p.Tyr383Cys (NM_001190388.2, NM_001374798.1); c.1172A>G, p.Tyr391Cys (NM_001374797.1); short protein forms Y391C, Y332C, Y442C, Y383C, Y473C.
Identifiers: ClinVar variation 1521670 (VCV001521670.4), dbSNP rs1214437751, ClinGen allele CA373427447.